The following is an entry in ClinVar:

ClinVar aggregate classification (germline): Benign. Review status: criteria provided, single submitter (1 of 4 stars). 2 submissions from 1 submitter: Benign (2). Last evaluated 2018-01-13.

Conditions:
Cone-rod dystrophy 11 (CORD11). Identifiers: Orphanet 1872, MedGen C1835865, MONDO:0012483, OMIM 610381.
Age related macular degeneration 6. Identifiers: MedGen C3151060, MONDO:0013406, OMIM 613757.

Allele frequency attached by ClinVar (database versions not stated): gnomAD 0.00276 and 0.00293; TOPMed 0.00323; 1000 Genomes Project 0.00479; 1000 Genomes Project 30x 0.00500.

Submissions (2):

Illumina Laboratory Services, Illumina
Classification: Benign for Cone-rod dystrophy 11. Last evaluated: 2018-01-13. Review status: criteria provided, single submitter. Criteria: ICSL Variant Classification Criteria 13 December 2019. Collection method: clinical testing. Allele origin: germline.
Comment: This variant was observed in the ICSL laboratory as part of a predisposition screen in an ostensibly healthy population. It had not been previously curated by ICSL or reported in the Human Gene Mutation Database (HGMD: prior to June 1st, 2018), and was therefore a candidate for classification through an automated scoring system. Utilizing variant allele frequency, disease prevalence and penetrance estimates, and inheritance mode, an automated score was calculated to assess if this variant is too frequent to cause the disease. Based on the score and internal cut-off values, a variant classified as benign is not then subjected to further curation. The score for this variant resulted in a classification of benign for this disease.

Illumina Laboratory Services, Illumina
Classification: Benign for Age related macular degeneration 6. Last evaluated: 2018-01-13. Review status: criteria provided, single submitter. Criteria: ICSL Variant Classification Criteria 13 December 2019. Collection method: clinical testing. Allele origin: germline.
Comment: the same text as in the submission from Illumina Laboratory Services, Illumina above.

NM_001319074.4(RAX2):c.*1324A>G

Gene: RAX2 (retina and anterior neural fold homeobox 2; minus strand). Cytogenetic location: 19p13.3.
Variant type: single nucleotide variant.
Coding change: c.*1324A>G on transcript NM_001319074.4 (MANE Select); 1324 bases downstream of the stop codon, A replaced by G.
Molecular consequence: 3 prime UTR variant.
Genome position (GRCh38, 1-based): chr19:3,769,297, T>C on the plus strand (A>G on the coding strand, the complement: RAX2 is on the minus strand). VCF-style: chr19-3769297-T-C. GRCh37 (hg19) VCF-style: chr19-3769295-T-C.
Other names: c.*1324A>G (NM_032753.4).
Identifiers: ClinVar variation 328943 (VCV000328943.5), dbSNP rs138882802, ClinGen allele CA10652402.